The following is an entry in ClinVar:

NM_020778.5(ALPK3):c.1337_1340del (p.Pro446fs)

Gene: ALPK3 (alpha kinase 3; plus strand). Cytogenetic location: 15q25.3.
Variant type: Deletion.
Coding change: c.1337_1340del on transcript NM_020778.5 (MANE Select); coding-DNA positions 1337 to 1340, 4 bases deleted (CCAA; older notation c.1337_1340delCCAA).
Protein change: p.Pro446fs; shifts the reading frame from proline 446.
Molecular consequence: frameshift variant.
Genome position (GRCh38, 1-based): chr15:84,840,616-84,840,619, CCAA deleted. VCF-style (leftmost placement, unchanged base first): chr15-84840615-CCCAA-C. GRCh37 (hg19) VCF-style: chr15-85383846-CCCAA-C.
Other names: short protein forms P446fs.
Identifiers: ClinVar variation 4796557 (VCV004796557.1).

ClinVar aggregate classification (germline): Pathogenic (1 of 4 stars; one submission).

Conditions:
Cardiomyopathy, familial hypertrophic 27. Identifiers: MedGen C4748014, MONDO:0054838, OMIM 618052.

Submission:

Juno Genomics, Hangzhou Juno Genomics, Inc
Classification: Pathogenic for Cardiomyopathy, familial hypertrophic 27. Review status: criteria provided, single submitter. Criteria: ACMG Guidelines, 2015. Collection method: clinical testing. Allele origin: germline. Affected: yes.
Comment: Absent from controls (or at extremely low frequency if recessive) in Genome Aggregation Database, Exome Sequencing Project, 1000 Genomes Project, or Exome Aggregation Consortium.;Null variant in a gene where loss of function (LOF) is a known mechanism of disease.;Patient's phenotype or family history is highly specific for a disease with a single genetic etiology.